The following is an entry in ClinVar:

NM_001267550.2(TTN):c.102740G>A (p.Arg34247Lys)

Genes: TTN-AS1 (TTN antisense RNA 1; plus strand), TTN (titin; minus strand). Cytogenetic location: 2q31.2.
Variant type: single nucleotide variant.
Coding change: c.102740G>A on transcript NM_001267550.2 (MANE Select); coding-DNA position 102740, G replaced by A.
Protein change: p.Arg34247Lys; replaces arginine 34247 with lysine.
Molecular consequence: missense variant.
Genome position (GRCh38, 1-based): chr2:178,533,875, C>T on the plus strand (G>A on the coding strand, the complement: TTN is on the minus strand). VCF-style: chr2-178533875-C-T. GRCh37 (hg19) VCF-style: chr2-179398602-C-T.
Other names: c.97817G>A, p.Arg32606Lys (NM_001256850.1); c.75545G>A, p.Arg25182Lys (NM_003319.4); c.95036G>A, p.Arg31679Lys (NM_133378.4); c.75920G>A, p.Arg25307Lys (NM_133432.3); c.76121G>A, p.Arg25374Lys (NM_133437.4); short protein forms R25182K, R25307K, R25374K, R31679K, R32606K, R34247K.
Identifiers: ClinVar variation 3750457 (VCV003750457.2).

ClinVar aggregate classification (germline): Uncertain significance (1 of 4 stars; one submission).

Conditions:
Autosomal recessive limb-girdle muscular dystrophy type 2J (LGMDR10). Also called: Limb-girdle muscular dystrophy, type 2J; MUSCULAR DYSTROPHY, LIMB-GIRDLE, AUTOSOMAL RECESSIVE 10. Identifiers: Orphanet 140922, MedGen C1837342, MONDO:0012127, OMIM 608807.
Dilated cardiomyopathy 1G (CMD1G). Identifiers: Orphanet 154, MedGen C1858763, MONDO:0011400, OMIM 604145.

gnomAD v4.1: 1 of 1,613,856 alleles (0.000062%); highest among the groups gnomAD compares: Non-Finnish European, 0.000085%; no homozygotes.

Submission:

Labcorp Genetics (formerly Invitae), Labcorp
Classification: Uncertain significance for Dilated cardiomyopathy 1G; Autosomal recessive limb-girdle muscular dystrophy type 2J. Last evaluated: 2025-02-03. Review status: criteria provided, single submitter. Criteria: Invitae Variant Classification Sherloc (09022015). Collection method: clinical testing. Allele origin: germline.
Comment: This sequence change replaces arginine, which is basic and polar, with lysine, which is basic and polar, at codon 34247 of the TTN protein (p.Arg34247Lys). This variant is not present in population databases (gnomAD no frequency). This variant has not been reported in the literature in individuals affected with TTN-related conditions. Experimental studies and prediction algorithms are not available or were not evaluated, and the functional significance of this variant is currently unknown. This variant is located in the M band of TTN (PMID: 25589632). Non-truncating variants in this region may be relevant for neuromuscular disorders, but have not been definitively shown to cause cardiomyopathy (PMID: 23975875). In summary, the available evidence is currently insufficient to determine the role of this variant in disease. Therefore, it has been classified as a Variant of Uncertain Significance.

Literature cited by the submitters: PubMed 25589632; PubMed 23975875.